The following is an entry in ClinVar:

ClinVar aggregate classification (germline): Benign/Likely benign. Review status: criteria provided, multiple submitters, no conflicts (2 of 4 stars). 6 submissions from 6 submitters: Benign (2); Likely benign (4). Last evaluated 2025-11-13.

Conditions:
Tuberous sclerosis 2 (TSC2). Identifiers: Orphanet 805, MedGen C1860707, MONDO:0013199, OMIM 613254.
Hereditary cancer-predisposing syndrome. Also called: Hereditary neoplastic syndrome; Neoplastic Syndromes, Hereditary; Hereditary Cancer Syndrome; Tumor predisposition. Identifiers: Orphanet 140162, MedGen C0027672, MeSH D009386, MONDO:0015356.
Tuberous sclerosis syndrome (TSC). Also called: Tuberous Sclerosis Complex; Tuberous sclerosis. Identifiers: Orphanet 805, MedGen C0041341, MONDO:0001734.

Allele frequency attached by ClinVar (database versions not stated): TOPMed below 0.00001; gnomAD exomes 0.00001; ExAC 0.00002.
gnomAD v4.1: 4 of 1,613,802 alleles (0.00025%); highest among the groups gnomAD compares: Non-Finnish European, 0.00034%; no homozygotes.

Submissions (6):

Labcorp Genetics (formerly Invitae), Labcorp
Classification: Likely benign for Tuberous sclerosis 2. Last evaluated: 2025-11-13. Review status: criteria provided, single submitter. Criteria: Invitae Variant Classification Sherloc (09022015). Collection method: clinical testing. Allele origin: germline.

Myriad Genetics, Inc.
Classification: Benign for Tuberous sclerosis 2. Last evaluated: 2025-05-15. Review status: criteria provided, single submitter. Criteria: Myriad Autosomal Dominant, Autosomal Recessive and X-Linked Classification Criteria (2023). Collection method: clinical testing. Allele origin: unknown.
Comment: This variant is considered benign. This variant is a silent/synonymous amino acid change and it is not expected to impact splicing.

CeGaT Center for Human Genetics Tuebingen
Classification: Likely benign. Last evaluated: 2024-05-01. Review status: criteria provided, single submitter. Criteria: CeGaT Center For Human Genetics Tuebingen Variant Classification Criteria Version 2. Collection method: clinical testing. Allele origin: germline. Affected: yes. Observed: 1 variant allele.
Comment: TSC2: BP4, BP7

All of Us Research Program, National Institutes of Health
Classification: Likely benign for Tuberous sclerosis syndrome. Last evaluated: 2023-11-02. Review status: criteria provided, single submitter. Criteria: ACMG Guidelines, 2015. Collection method: clinical testing. Allele origin: germline. Inheritance: Autosomal dominant inheritance. Observed: 2 variant alleles, 2 heterozygotes.
Comment: This study involves interpretation of variants in research participants for the purpose of population health screening. Participant phenotype was not available at the time of variant classification. Additional details can be found in publication PMID: 35346344, PMCID: PMC8962531

Genome-Nilou Lab
Classification: Benign for Tuberous sclerosis 2. Last evaluated: 2021-11-07. Review status: criteria provided, single submitter. Criteria: ACMG Guidelines, 2015. Collection method: clinical testing. Allele origin: germline. Affected: no.

Ambry Genetics
Classification: Likely benign for Hereditary cancer-predisposing syndrome. Last evaluated: 2017-07-07. Review status: criteria provided, single submitter. Criteria: Ambry Variant Classification Scheme 2023. Collection method: clinical testing. Allele origin: germline.

NM_000548.5(TSC2):c.1686A>T (p.Thr562=)

Gene: TSC2 (TSC complex subunit 2; plus strand). Cytogenetic location: 16p13.3.
Variant type: single nucleotide variant.
Coding change: c.1686A>T on transcript NM_000548.5 (MANE Select); coding-DNA position 1686, A replaced by T.
Protein change: p.Thr562=; no amino-acid change (threonine 562 retained).
Molecular consequence: synonymous variant.
Genome position (GRCh38, 1-based): chr16:2,065,605, A>T. VCF-style: chr16-2065605-A-T. GRCh37 (hg19) VCF-style: chr16-2115606-A-T.
Other names: c.1686A>T, p.Thr562= (NM_001077183.3, NM_001114382.3, NM_001363528.2 and 3 more transcripts); c.1575A>T, p.Thr525= (NM_001318827.2); c.1539A>T, p.Thr513= (NM_001318829.2); c.1086A>T, p.Thr362= (NM_001318831.2); c.1719A>T, p.Thr573= (NM_001318832.2).
Identifiers: ClinVar variation 486654 (VCV000486654.39), dbSNP rs755900760, ClinGen allele CA032250.